The following is an entry in ClinVar:

NM_001364564.1(SALL2):c.493C>A (p.Pro165Thr)

Gene: SALL2 (spalt like transcription factor 2; minus strand). Cytogenetic location: 14q11.2.
Variant type: single nucleotide variant.
Coding change: c.493C>A on transcript NM_001364564.1 (MANE Select); coding-DNA position 493, C replaced by A.
Protein change: p.Pro165Thr; replaces proline 165 with threonine.
Molecular consequence: missense variant. On other transcripts: intron variant (2).
Genome position (GRCh38, 1-based): chr14:21,525,229, G>T on the plus strand (C>A on the coding strand, the complement: SALL2 is on the minus strand). VCF-style: chr14-21525229-G-T. GRCh37 (hg19) VCF-style: chr14-21993363-G-T.
Other names: c.499C>A, p.Pro167Thr (NM_005407.3); c.391+108C>A (NM_001291446.2); c.385+108C>A (NM_001291447.2); short protein forms P167T, P165T.
Identifiers: ClinVar variation 2755124 (VCV002755124.3), dbSNP rs150787846, ClinGen allele CA7093837.

ClinVar aggregate classification (germline): Uncertain significance (1 of 4 stars; one submission).

Allele frequency attached by ClinVar (database versions not stated): 1000 Genomes Project 0.00060; 1000 Genomes Project 30x 0.00078; ESP Exome Variant Server 0.00077.
gnomAD v4.1: 2,041 of 1,613,118 alleles (0.13%); highest among the groups gnomAD compares: Non-Finnish European, 0.16%; 4 homozygotes.

Submission:

Labcorp Genetics (formerly Invitae), Labcorp
Classification: Uncertain significance. Last evaluated: 2025-12-19. Review status: criteria provided, single submitter. Criteria: Invitae Variant Classification Sherloc (09022015). Collection method: clinical testing. Allele origin: germline.
Comment: This sequence change replaces proline, which is neutral and non-polar, with threonine, which is neutral and polar, at codon 167 of the SALL2 protein (p.Pro167Thr). This variant is present in population databases (rs150787846, gnomAD 0.2%), and has an allele count higher than expected for a pathogenic variant. This variant has not been reported in the literature in individuals affected with SALL2-related conditions. ClinVar contains an entry for this variant (Variation ID: 2755124). An algorithm developed to predict the effect of missense changes on protein structure and function (PolyPhen-2) suggests that this variant is likely to be disruptive. In summary, the available evidence is currently insufficient to determine the role of this variant in disease. Therefore, it has been classified as a Variant of Uncertain Significance.